The following is an entry in ClinVar:

NM_001267550.2(TTN):c.79993T>C (p.Leu26665=)

Genes: TTN (titin; minus strand), TTN-AS1 (TTN antisense RNA 1; plus strand). Cytogenetic location: 2q31.2.
Variant type: single nucleotide variant.
Coding change: c.79993T>C on transcript NM_001267550.2 (MANE Select); coding-DNA position 79993, T replaced by C.
Protein change: p.Leu26665=; no amino-acid change (leucine 26665 retained).
Molecular consequence: synonymous variant.
Genome position (GRCh38, 1-based): chr2:178,566,139, A>G on the plus strand (T>C on the coding strand, the complement: TTN is on the minus strand). VCF-style: chr2-178566139-A-G. GRCh37 (hg19) VCF-style: chr2-179430866-A-G.
Other names: c.75070T>C, p.Leu25024= (NM_001256850.1); c.52798T>C, p.Leu17600= (NM_003319.4); c.72289T>C, p.Leu24097= (NM_133378.4); c.53173T>C, p.Leu17725= (NM_133432.3); c.53374T>C, p.Leu17792= (NM_133437.4).
Identifiers: ClinVar variation 5041302 (VCV005041302.1).

ClinVar aggregate classification (germline): Likely benign (1 of 4 stars; one submission).

gnomAD v4.1: 1 of 1,613,660 alleles (0.000062%); highest among the groups gnomAD compares: East Asian, 0.0022%; no homozygotes.

Submission:

CeGaT Center for Human Genetics Tuebingen
Classification: Likely benign. Last evaluated: 2026-09-01. Review status: criteria provided, single submitter. Criteria: CeGaT Center For Human Genetics Tuebingen Variant Classification Criteria Version 2. Collection method: clinical testing. Allele origin: germline. Affected: yes. Observed: 1 variant allele.
Comment: TTN: BP4, BP7